The following is an entry in ClinVar:

NC_000017.11:g.(?_35100943)_(35103554_?)del

Genes: RAD51L3-RFFL (RAD51L3-RFFL readthrough; minus strand), RAD51D (RAD51 paralog D; minus strand). Cytogenetic location: 17q12.
Variant type: Deletion.
Identifiers: ClinVar variation 663404 (VCV000663404.3).

ClinVar aggregate classification (germline): Pathogenic (1 of 4 stars; one submission).

Conditions:
Breast-ovarian cancer, familial, susceptibility to, 4. Identifiers: Orphanet 145, MedGen C3280345, MONDO:0013669, OMIM 614291.

Submission:

Labcorp Genetics (formerly Invitae), Labcorp
Classification: Pathogenic for Breast-ovarian cancer, familial, susceptibility to, 4. Last evaluated: 2022-10-13. Review status: criteria provided, single submitter. Criteria: Invitae Variant Classification Sherloc (09022015). Collection method: clinical testing. Allele origin: germline.
Comment: This variant is a gross deletion of the genomic region encompassing exon(s) 7-10 of the RAD51D gene, which includes the termination codon. This deletion extends beyond the assayed region for this gene and therefore may encompass additional genes. While this deletion is not anticipated to lead to nonsense mediated decay, it is expected to alter mRNA translation or result in a truncated protein product. This variant has not been reported in the literature in individuals affected with RAD51D-related conditions. This variant disrupts a region of the RAD51D protein in which other variant(s) (Exon 9-10 deletion) have been determined to be pathogenic (Invitae). This suggests that this is a clinically significant region of the protein, and that variants that disrupt it are likely to be disease-causing. For these reasons, this variant has been classified as Pathogenic.